The following is an entry in ClinVar:

ClinVar aggregate classification (germline): Likely pathogenic (1 of 4 stars; one submission).

Conditions:
MC4R-related disorder. Also called: MC4R-related condition.

Submission:

PreventionGenetics, part of Exact Sciences
Classification: Likely pathogenic for MC4R-related condition. Last evaluated: 2026-05-16. Review status: criteria provided, single submitter. Criteria: ACMG Guidelines, 2015. Collection method: clinical testing. Allele origin: germline.
Comment: The MC4R c.200_207dup8 variant is predicted to result in a frameshift and premature protein termination (p.Ala70Trpfs*3). To our knowledge, this variant has not been reported in the literature or in a large population database (gnomAD), indicating this variant is rare. Frameshift variants in MC4R are expected to be pathogenic. This variant is interpreted as likely pathogenic.

NM_005912.3(MC4R):c.200_207dup (p.Ala70delinsTrpGlnTer)

Gene: MC4R (melanocortin 4 receptor; minus strand). Cytogenetic location: 18q21.32.
Variant type: Duplication.
Coding change: c.200_207dup on transcript NM_005912.3 (MANE Select); coding-DNA positions 200 to 207, 8 bases duplicated (TGGCAATA; older notation c.200_207dupTGGCAATA).
Protein change: p.Ala70delinsTrpGlnTer.
Molecular consequence: nonsense.
Genome position (GRCh38, 1-based): chr18:60,372,143-60,372,150, TATTGCCA duplicated on the plus strand (TGGCAATA on the coding strand, the reverse complement: MC4R is on the minus strand). VCF-style (leftmost placement, unchanged base first): chr18-60372142-C-CTATTGCCA. GRCh37 (hg19) VCF-style: chr18-58039375-C-CTATTGCCA.
Identifiers: ClinVar variation 4994951 (VCV004994951.1).